The following is an entry in ClinVar:

ClinVar aggregate classification (germline): Uncertain significance (1 of 4 stars; one submission).

Conditions:
Mitochondrial complex V (ATP synthase) deficiency, nuclear type 2. Also called: Nuclear-Encoded ATPase Deficiency, TMEM70-Related; ENCEPHALOCARDIOMYOPATHY, MITOCHONDRIAL, NEONATAL, DUE TO ATP SYNTHASE DEFICIENCY; MITOCHONDRIAL COMPLEX V (ATP SYNTHASE) DEFICIENCY, TMEM70 TYPE. Identifiers: Orphanet 1194, MedGen C3279699, MONDO:0013546, OMIM 614052.

Submission:

Labcorp Genetics (formerly Invitae), Labcorp
Classification: Uncertain significance for Mitochondrial complex V (ATP synthase) deficiency, nuclear type 2. Last evaluated: 2022-08-03. Review status: criteria provided, single submitter. Criteria: Invitae Variant Classification Sherloc (09022015). Collection method: clinical testing. Allele origin: germline.
Comment: In summary, the available evidence is currently insufficient to determine the role of this variant in disease. Therefore, it has been classified as a Variant of Uncertain Significance. Algorithms developed to predict the effect of missense changes on protein structure and function (SIFT, PolyPhen-2, Align-GVGD) all suggest that this variant is likely to be tolerated. This variant has not been reported in the literature in individuals affected with TMEM70-related conditions. This variant is not present in population databases (gnomAD no frequency). This sequence change replaces proline, which is neutral and non-polar, with serine, which is neutral and polar, at codon 15 of the TMEM70 protein (p.Pro15Ser).

NM_017866.6(TMEM70):c.43C>T (p.Pro15Ser)

Gene: TMEM70 (transmembrane protein 70; plus strand). Cytogenetic location: 8q21.11.
Variant type: single nucleotide variant.
Coding change: c.43C>T on transcript NM_017866.6 (MANE Select); coding-DNA position 43, C replaced by T.
Protein change: p.Pro15Ser; replaces proline 15 with serine.
Molecular consequence: missense variant. On other transcripts: non-coding transcript variant (1).
Genome position (GRCh38, 1-based): chr8:73,976,324, C>T. VCF-style: chr8-73976324-C-T. GRCh37 (hg19) VCF-style: chr8-74888559-C-T.
Other names: c.43C>T, p.Pro15Ser (NM_001040613.3); short protein forms P15S.
Identifiers: ClinVar variation 1897273 (VCV001897273.5), dbSNP rs1815643180, ClinGen allele CA371489155.
Genomic context (GRCh38, chr8:73,976,324, plus strand): 5'-CCGCTCGTCACCCGCGTGATGCTGTTTCTGGCGTTGGGCAGCCCGTGGGCGGTCGAACTG[C>T]CTCTCTGCGGAAGGAGGACTGCATTGTGTGCGGCCGCCGCGCTCCGAGGTCCCCGGGCCT-3'
Protein context (NP_060336.3, residues 5-25): ALGSPWAVEL[Pro15Ser]LCGRRTALCA